The following is an entry in ClinVar:

NM_001165963.4(SCN1A):c.4002+1953_4221del

Genes: SCN1A (sodium voltage-gated channel alpha subunit 1; minus strand), LOC102724058 (uncharacterized LOC102724058; plus strand). Cytogenetic location: 2q24.3.
Variant type: Deletion.
Coding change: c.4002+1953_4221del on transcript NM_001165963.4 (MANE Select); 1953 bases into the intron after coding-DNA position 4002 through coding-DNA position 4221, 5,232 bases deleted.
Molecular consequence: splice acceptor variant.
Genome position (GRCh38, 1-based): chr2:166,002,535-166,007,766, 5,232 bases deleted. GRCh37 (hg19): chr2:166,859,045-166,864,276.
Other names: c.3969+1953_4188del (NM_001353949.2, NM_001353950.2, NM_001353951.2 and 2 more transcripts); c.3918+1953_4137del (NM_001353958.2, NM_001353957.2, NM_001165964.3); c.4002+1953_4221del (NM_001202435.3, NM_001353948.2); c.3966+1953_4185del (NM_001353955.2, NM_001353954.2); c.3915+1953_4134del (NM_001353960.2); c.1560+1953_1779del (NM_001353961.2).
Identifiers: ClinVar variation 571568 (VCV000571568.2), ClinGen allele CA891842567.

ClinVar aggregate classification (germline): Pathogenic (1 of 4 stars; one submission).

Conditions:
Developmental and epileptic encephalopathy. Identifiers: MedGen C5779964, MONDO:0100620.

Submission:

Labcorp Genetics (formerly Invitae), Labcorp
Classification: Pathogenic for Early infantile epileptic encephalopathy. Last evaluated: 2018-06-23. Review status: criteria provided, single submitter. Criteria: Invitae Variant Classification Sherloc (09022015). Collection method: clinical testing. Allele origin: germline.
Comment: This variant is a deletion of the genomic region encompassing part of exon 21 (c.4002+1953_4221del) of the SCN1A gene. It is expected to disrupt RNA splicing and likely results in an absent or disrupted protein product. This variant has not been reported in the literature in individuals with SCN1A-related disease. Variants that disrupt the p.Ala1370 amino acid residue in SCN1A have been observed in affected individuals (22028529, Invitae). This suggests that it is a clinically significant residue, and that other variants that disrupt this residue are likely to be causative of disease. For these reasons, this variant has been classified as Pathogenic.